The following is an entry in ClinVar:

ClinVar aggregate classification (germline): Conflicting classifications of pathogenicity. Review status: criteria provided, conflicting classifications (1 of 4 stars). 3 submissions from 3 submitters: Uncertain significance (1); Likely benign (2). Last evaluated 2026-01-14.

Conditions:
Niemann-Pick disease, type C1. Also called: NEUROVISCERAL STORAGE DISEASE WITH VERTICAL SUPRANUCLEAR OPHTHALMOPLEGIA; NIEMANN-PICK DISEASE WITH CHOLESTEROL ESTERIFICATION BLOCK; NIEMANN-PICK DISEASE WITHOUT SPHINGOMYELINASE DEFICIENCY; NIEMANN-PICK DISEASE, CHRONIC NEURONOPATHIC FORM; NIEMANN-PICK DISEASE, VARIANT TYPE C1. Identifiers: Orphanet 646, MedGen C3179455, MONDO:0009757, OMIM 257220.

Allele frequency attached by ClinVar (database versions not stated): gnomAD exomes below 0.00001 and 0.00001; gnomAD 0.00001; TOPMed 0.00002.
gnomAD v4.1: 9 of 1,614,004 alleles (0.00056%); highest among the groups gnomAD compares: African/African-American, 0.004%; no homozygotes.

Submissions (3):

Labcorp Genetics (formerly Invitae), Labcorp
Classification: Likely benign for Niemann-Pick disease, type C1. Last evaluated: 2026-01-14. Review status: criteria provided, single submitter. Criteria: Invitae Variant Classification Sherloc (09022015). Collection method: clinical testing. Allele origin: germline.

Mayo Clinic Laboratories, Mayo Clinic
Classification: Likely benign. Last evaluated: 2025-01-06. Review status: criteria provided, single submitter. Criteria: ACMG Guidelines, 2015. Collection method: clinical testing. Allele origin: germline. Observed: 1 variant allele.
Comment: BP4, BP7

Eurofins Ntd Llc (ga)
Classification: Uncertain significance. Last evaluated: 2016-09-16. Review status: criteria provided, single submitter. Criteria: EGL Classification Definitions 2015. Collection method: clinical testing. Allele origin: germline. Observed: 1 variant allele, 1 heterozygote.

NM_000271.5(NPC1):c.631+7A>G

Gene: NPC1 (NPC intracellular cholesterol transporter 1; minus strand). Cytogenetic location: 18q11.2.
Variant type: single nucleotide variant.
Coding change: c.631+7A>G on transcript NM_000271.5 (MANE Select); 7 bases into the intron after coding-DNA position 631, A replaced by G.
Molecular consequence: intron variant.
Genome position (GRCh38, 1-based): chr18:23,561,353, T>C on the plus strand (A>G on the coding strand, the complement: NPC1 is on the minus strand). VCF-style: chr18-23561353-T-C. GRCh37 (hg19) VCF-style: chr18-21141317-T-C.
Other names: p.?.
Identifiers: ClinVar variation 290854 (VCV000290854.17), dbSNP rs886044570, ClinGen allele CA10606922.